The following is an entry in ClinVar:

NM_178862.3(STT3B):c.1617C>T (p.Val539=)

Gene: STT3B (STT3 oligosaccharyltransferase complex catalytic subunit B; plus strand). Cytogenetic location: 3p23.
Variant type: single nucleotide variant.
Coding change: c.1617C>T on transcript NM_178862.3 (MANE Select); coding-DNA position 1617, C replaced by T.
Protein change: p.Val539=; no amino-acid change (valine 539 retained).
Molecular consequence: synonymous variant.
Genome position (GRCh38, 1-based): chr3:31,623,751, C>T. VCF-style: chr3-31623751-C-T. GRCh37 (hg19) VCF-style: chr3-31665243-C-T.
Identifiers: ClinVar variation 512298 (VCV000512298.1), dbSNP rs1553608343, ClinGen allele CA432924389.

ClinVar aggregate classification (germline): Likely benign (1 of 4 stars; one submission).

Allele frequency attached by ClinVar (database versions not stated): gnomAD exomes 0.00001.
gnomAD v4.1: 3 of 1,613,988 alleles (0.00019%); highest among the groups gnomAD compares: Non-Finnish European, 0.00025%; no homozygotes.

Submission:

GeneDx
Classification: Likely benign. Last evaluated: 2017-10-13. Review status: criteria provided, single submitter. Criteria: GeneDx Variant Classification (06012015). Collection method: clinical testing. Allele origin: germline. Affected: yes.
Comment: This variant is considered likely benign or benign based on one or more of the following criteria: it is a conservative change, it occurs at a poorly conserved position in the protein, it is predicted to be benign by multiple in silico algorithms, and/or has population frequency not consistent with disease.